The following is an entry in ClinVar:

ClinVar aggregate classification (germline): Benign (1 of 4 stars; one submission).

Conditions:
Hereditary diffuse gastric adenocarcinoma (HDGC). Also called: DIFFUSE GASTRIC AND LOBULAR BREAST CANCER SYNDROME. Identifiers: Orphanet 26106, MedGen C1708349, MONDO:0007648, OMIM 137215.

Submission:

Myriad Genetics, Inc.
Classification: Benign for Hereditary diffuse gastric adenocarcinoma. Last evaluated: 2024-09-20. Review status: criteria provided, single submitter. Criteria: Myriad Autosomal Dominant, Autosomal Recessive and X-Linked Classification Criteria (2023). Collection method: clinical testing. Allele origin: unknown.
Comment: This variant is considered benign. This variant is a silent/synonymous amino acid change and it is not expected to impact splicing.

NM_004360.5(CDH1):c.2154T>C (p.Leu718=)

Gene: CDH1 (cadherin 1; plus strand). Cytogenetic location: 16q22.1.
Variant type: single nucleotide variant.
Coding change: c.2154T>C on transcript NM_004360.5 (MANE Select); coding-DNA position 2154, T replaced by C.
Protein change: p.Leu718=; no amino-acid change (leucine 718 retained).
Molecular consequence: synonymous variant.
Genome position (GRCh38, 1-based): chr16:68,823,616, T>C. VCF-style: chr16-68823616-T-C. GRCh37 (hg19) VCF-style: chr16-68857519-T-C.
Other names: c.1971T>C, p.Leu657= (NM_001317184.2); c.606T>C, p.Leu202= (NM_001317185.2); c.189T>C, p.Leu63= (NM_001317186.2).
Identifiers: ClinVar variation 3379033 (VCV003379033.1).